The following is an entry in ClinVar:

NM_002519.3(NPAT):c.3557T>G (p.Leu1186Arg)

Gene: NPAT (nuclear protein, coactivator of histone transcription; minus strand). Cytogenetic location: 11q22.3.
Variant type: single nucleotide variant.
Coding change: c.3557T>G on transcript NM_002519.3 (MANE Select); coding-DNA position 3557, T replaced by G.
Protein change: p.Leu1186Arg; replaces leucine 1186 with arginine.
Molecular consequence: missense variant.
Genome position (GRCh38, 1-based): chr11:108,161,529, A>C on the plus strand (T>G on the coding strand, the complement: NPAT is on the minus strand). VCF-style: chr11-108161529-A-C. GRCh37 (hg19) VCF-style: chr11-108032256-A-C.
Other names: c.3578T>G, p.Leu1193Arg (NM_001321307.1); short protein forms L1193R, L1186R.
Identifiers: ClinVar variation 3005927 (VCV003005927.3), dbSNP rs2496695543, ClinGen allele CA382510540.

ClinVar aggregate classification (germline): Uncertain significance (1 of 4 stars; one submission).

Submission:

Labcorp Genetics (formerly Invitae), Labcorp
Classification: Uncertain significance. Last evaluated: 2025-01-26. Review status: criteria provided, single submitter. Criteria: Invitae Variant Classification Sherloc (09022015). Collection method: clinical testing. Allele origin: germline.
Comment: This sequence change replaces leucine, which is neutral and non-polar, with arginine, which is basic and polar, at codon 1186 of the NPAT protein (p.Leu1186Arg). This variant is not present in population databases (gnomAD no frequency). This variant has not been reported in the literature in individuals affected with NPAT-related conditions. ClinVar contains an entry for this variant (Variation ID: 3005927). An algorithm developed to predict the effect of missense changes on protein structure and function (PolyPhen-2) suggests that this variant is likely to be disruptive. In summary, the available evidence is currently insufficient to determine the role of this variant in disease. Therefore, it has been classified as a Variant of Uncertain Significance.